The following is an entry in ClinVar:

NM_001281740.3(FHOD3):c.4376G>A (p.Arg1459Gln)

Gene: FHOD3 (formin homology 2 domain containing 3; plus strand). Cytogenetic location: 18q12.2.
Variant type: single nucleotide variant.
Coding change: c.4376G>A on transcript NM_001281740.3 (MANE Select); coding-DNA position 4376, G replaced by A.
Protein change: p.Arg1459Gln; replaces arginine 1459 with glutamine.
Molecular consequence: missense variant.
Genome position (GRCh38, 1-based): chr18:36,755,262, G>A. VCF-style: chr18-36755262-G-A. GRCh37 (hg19) VCF-style: chr18-34335225-G-A.
Other names: c.4376G>A (NM_001281740.2); c.3800G>A, p.Arg1267Gln (NM_001281739.3); c.3851G>A, p.Arg1284Gln (NM_025135.5); short protein forms R1284Q, R1267Q, R1459Q.
Identifiers: ClinVar variation 3515306 (VCV003515306.2).
Genomic context (GRCh38, chr18:36,755,262, plus strand): 5'-GTGAATTTGCACTAGAGTATCGCACAACCAGGGAAAGGGTTTTGCAGCAGAAACAGAAAC[G>A]GGCCAACCACAGAGAGAGAAATAAGACCAGAGGGAAGATGATCACCGATGTAAGTTTCAC-3'
Protein context (NP_001268669.1, residues 1449-1469): RERVLQQKQK[Arg1459Gln]ANHRERNKTR

ClinVar aggregate classification (germline): Uncertain significance. Review status: criteria provided, multiple submitters, no conflicts (2 of 4 stars). 2 submissions from 2 submitters: Uncertain significance (2). Last evaluated 2026-03-05.

Conditions:
FHOD3-related disorder. Also called: FHOD3-related condition.
Inborn genetic diseases. Identifiers: MedGen C0950123, MeSH D030342.

gnomAD v4.1: 156 of 1,610,452 alleles (0.0097%); highest among the groups gnomAD compares: Non-Finnish European, 0.013%; no homozygotes.

Submissions (2):

PreventionGenetics, part of Exact Sciences
Classification: Uncertain significance for FHOD3-related condition. Last evaluated: 2026-03-05. Review status: criteria provided, single submitter. Criteria: ACMG Guidelines, 2015. Collection method: clinical testing. Allele origin: germline.
Comment: The FHOD3 c.4376G>A variant is predicted to result in the amino acid substitution p.Arg1459Gln. To our knowledge, this variant has not been reported in the literature. This variant is reported in 0.0078% of alleles in individuals of European (Non-Finnish) descent in gnomAD. Of note, a different variant impacting the same amino acid (p.Arg1459Trp) was documented in an individual from a hypertrophic cardiomyopathy cohort (Table S1 in Chumakova et al. 2023. PubMed ID: 38002985). At this time, the clinical significance of the c.4376G>A (p.Arg1459Gln) variant is uncertain due to the absence of conclusive functional and genetic evidence.

Ambry Genetics
Classification: Uncertain significance for Inborn genetic diseases. Last evaluated: 2024-11-11. Review status: criteria provided, single submitter. Criteria: Ambry Variant Classification Scheme 2023. Collection method: clinical testing. Allele origin: germline.